The following is an entry in ClinVar:

ClinVar aggregate classification (germline): Benign/Likely benign. Review status: criteria provided, single submitter (1 of 4 stars). 3 submissions from 1 submitter: Benign (1); Likely benign (2). Last evaluated 2018-01-13.

Conditions:
Leber congenital amaurosis 7 (LCA7). Identifiers: Orphanet 65, MedGen C3151192, MONDO:0013449, OMIM 613829.
Retinitis pigmentosa (RP). Identifiers: Orphanet 791, MedGen C0035334, MeSH D012174, MONDO:0019200, OMIM 268000. Inheritance: Autosomal dominant, autosomal recessive and X linked inheritance.
Cone-rod dystrophy 2 (CORD2). Also called: CONE-ROD RETINAL DYSTROPHY; Cone-rod retinal dystrophy 2. Identifiers: Orphanet 1872, MedGen C3489532, MONDO:0007362, OMIM 120970.

Allele frequency attached by ClinVar (database versions not stated): gnomAD 0.00312 and 0.00290; TOPMed 0.00330; 1000 Genomes Project 0.00280; 1000 Genomes Project 30x 0.00281.

Submissions (3):

Illumina Laboratory Services, Illumina
Classification: Benign for Cone-rod dystrophy 2. Last evaluated: 2018-01-13. Review status: criteria provided, single submitter. Criteria: ICSL Variant Classification Criteria 13 December 2019. Collection method: clinical testing. Allele origin: germline.
Comment: This variant was observed in the ICSL laboratory as part of a predisposition screen in an ostensibly healthy population. It had not been previously curated by ICSL or reported in the Human Gene Mutation Database (HGMD: prior to June 1st, 2018), and was therefore a candidate for classification through an automated scoring system. Utilizing variant allele frequency, disease prevalence and penetrance estimates, and inheritance mode, an automated score was calculated to assess if this variant is too frequent to cause the disease. Based on the score and internal cut-off values, a variant classified as benign is not then subjected to further curation. The score for this variant resulted in a classification of benign for this disease.

Illumina Laboratory Services, Illumina
Classification: Likely benign for Retinitis pigmentosa. Last evaluated: 2018-01-13. Review status: criteria provided, single submitter. Criteria: ICSL Variant Classification Criteria 13 December 2019. Collection method: clinical testing. Allele origin: germline.
Comment: This variant was observed in the ICSL laboratory as part of a predisposition screen in an ostensibly healthy population. It had not been previously curated by ICSL or reported in the Human Gene Mutation Database (HGMD: prior to June 1st, 2018), and was therefore a candidate for classification through an automated scoring system. Utilizing variant allele frequency, disease prevalence and penetrance estimates, and inheritance mode, an automated score was calculated to assess if this variant is too frequent to cause the disease. Based on the score and internal cut-off values, a variant classified as likely benign is not then subjected to further curation. The score for this variant resulted in a classification of likely benign for this disease.

Illumina Laboratory Services, Illumina
Classification: Likely benign for Leber congenital amaurosis 7. Last evaluated: 2018-01-13. Review status: criteria provided, single submitter. Criteria: ICSL Variant Classification Criteria 13 December 2019. Collection method: clinical testing. Allele origin: germline.
Comment: the same text as in the submission from Illumina Laboratory Services, Illumina above.

NM_000554.6(CRX):c.*2396C>T

Gene: CRX (cone-rod homeobox; plus strand). Cytogenetic location: 19q13.33.
Variant type: single nucleotide variant.
Coding change: c.*2396C>T on transcript NM_000554.6 (MANE Select); 2396 bases downstream of the stop codon, C replaced by T.
Molecular consequence: 3 prime UTR variant.
Genome position (GRCh38, 1-based): chr19:47,842,363, C>T. VCF-style: chr19-47842363-C-T. GRCh37 (hg19) VCF-style: chr19-48345620-C-T.
Identifiers: ClinVar variation 329762 (VCV000329762.5), dbSNP rs374128749, ClinGen allele CA10652657.